The following is an entry in ClinVar:

NM_001077525.3(MTMR14):c.1345G>A (p.Val449Ile)

Gene: MTMR14 (myotubularin related protein 14; plus strand). Cytogenetic location: 3p25.3.
Variant type: single nucleotide variant.
Coding change: c.1345G>A on transcript NM_001077525.3 (MANE Select); coding-DNA position 1345, G replaced by A.
Protein change: p.Val449Ile; replaces valine 449 with isoleucine.
Molecular consequence: missense variant.
Genome position (GRCh38, 1-based): chr3:9,688,994, G>A. VCF-style: chr3-9688994-G-A. GRCh37 (hg19) VCF-style: chr3-9730678-G-A.
Other names: c.1345G>A, p.Val449Ile (NM_001077526.3, NM_022485.5); short protein forms V449I.
Identifiers: ClinVar variation 1375715 (VCV001375715.8), dbSNP rs374725262, ClinGen allele CA2240733.
Genomic context (GRCh38, chr3:9,688,994, plus strand): 5'-CTTCTTTTAGGACGAAAGGACCGTGGCAGCACCACCAGCCTTGGCAGCGACTTCTCCCTG[G>A]TCATGGAGAGTTCCCCAGGAGCCACTGGGAGCTTCACCTATGAGGCCGTGGAGCTGGTCC-3'
Protein context (NP_001070993.1, residues 439-459): TTSLGSDFSL[Val449Ile]MESSPGATGS

ClinVar aggregate classification (germline): Uncertain significance (1 of 4 stars; one submission).

Allele frequency attached by ClinVar (database versions not stated): gnomAD exomes 0.00001; ExAC 0.00002; gnomAD 0.00003; TOPMed 0.00003; ESP Exome Variant Server 0.00008.
gnomAD v4.1: 5 of 1,613,864 alleles (0.00031%); highest among the groups gnomAD compares: African/African-American, 0.0053%; no homozygotes.

Submission:

Labcorp Genetics (formerly Invitae), Labcorp
Classification: Uncertain significance. Last evaluated: 2021-05-29. Review status: criteria provided, single submitter. Criteria: Invitae Variant Classification Sherloc (09022015). Collection method: clinical testing. Allele origin: germline.
Comment: In summary, the available evidence is currently insufficient to determine the role of this variant in disease. Therefore, it has been classified as a Variant of Uncertain Significance. Algorithms developed to predict the effect of missense changes on protein structure and function (SIFT, PolyPhen-2, Align-GVGD) all suggest that this variant is likely to be tolerated, but these predictions have not been confirmed by published functional studies and their clinical significance is uncertain. This variant has not been reported in the literature in individuals with MTMR14-related conditions. This variant is present in population databases (rs374725262, ExAC 0.02%). This sequence change replaces valine with isoleucine at codon 449 of the MTMR14 protein (p.Val449Ile). The valine residue is moderately conserved and there is a small physicochemical difference between valine and isoleucine.